The following is an entry in ClinVar:

ClinVar aggregate classification (germline): Uncertain significance. Review status: criteria provided, multiple submitters, no conflicts (2 of 4 stars). 3 submissions from 3 submitters: Uncertain significance (3). Last evaluated 2025-08-18.

Conditions:
Rothmund-Thomson syndrome type 2 (RTS2). Identifiers: Orphanet 221016, MedGen C5203410, MONDO:0016369, OMIM 268400.
Hereditary cancer-predisposing syndrome. Also called: Hereditary neoplastic syndrome; Neoplastic Syndromes, Hereditary; Tumor predisposition; Hereditary Cancer Syndrome. Identifiers: Orphanet 140162, MedGen C0027672, MeSH D009386, MONDO:0015356.
Baller-Gerold syndrome (BGS). Also called: CRANIOSYNOSTOSIS WITH RADIAL DEFECTS. Identifiers: Orphanet 1225, MedGen C0265308, MONDO:0009039, OMIM 218600.

Allele frequency attached by ClinVar (database versions not stated): gnomAD exomes 0.00002 and 0.00004; ExAC 0.00003; gnomAD 0.00005 and 0.00006; TOPMed 0.00007; 1000 Genomes Project 30x 0.00016; 1000 Genomes Project 0.00020.
gnomAD v4.1: 62 of 1,611,416 alleles (0.0038%); highest among the groups gnomAD compares: African/African-American, 0.016%; no homozygotes.

Submissions (3):

Labcorp Genetics (formerly Invitae), Labcorp
Classification: Uncertain significance for Baller-Gerold syndrome. Last evaluated: 2025-08-18. Review status: criteria provided, single submitter. Criteria: Invitae Variant Classification Sherloc (09022015). Collection method: clinical testing. Allele origin: germline.
Comment: This sequence change replaces arginine, which is basic and polar, with glutamine, which is neutral and polar, at codon 365 of the RECQL4 protein (p.Arg365Gln). This variant is present in population databases (rs549497811, gnomAD 0.02%). This variant has not been reported in the literature in individuals affected with RECQL4-related conditions. ClinVar contains an entry for this variant (Variation ID: 459300). Invitae Evidence Modeling of protein sequence and biophysical properties (such as structural, functional, and spatial information, amino acid conservation, physicochemical variation, residue mobility, and thermodynamic stability) indicates that this missense variant is not expected to disrupt RECQL4 protein function with a negative predictive value of 80%. In summary, the available evidence is currently insufficient to determine the role of this variant in disease. Therefore, it has been classified as a Variant of Uncertain Significance.

St. Jude Molecular Pathology, St. Jude Children's Research Hospital
Classification: Uncertain significance for Rothmund-Thomson syndrome type 2. Last evaluated: 2022-04-20. Review status: criteria provided, single submitter. Criteria: St. Jude Assertion Criteria 2020. Collection method: clinical testing. Allele origin: germline.
Comment: The RECQL4 c.1094G>A (p.Arg365Gln) missense change has a maximum subpopulation frequency of 0.017% in gnomAD v2.1.1. In silico tools predict a benign effect of this variant on protein function (BP4), but to our knowledge these predictions have not been confirmed by functional assays. This variant has been reported in an individual with a personal and family history of pancreatic cancer (PMID: 287672890). To our knowledge, this variant has not been reported in individuals with RECQL4-associated disorders. In summary, this variant meets criteria to be classified as of uncertain significance based on the ACMG/AMP criteria: BP4.

Sema4
Classification: Uncertain significance for Hereditary cancer-predisposing syndrome. Last evaluated: 2021-10-12. Review status: criteria provided, single submitter. Criteria: Sema4 Curation Guidelines. Collection method: curation. Allele origin: germline.
Comment: The RECQL4 c.1094G>A (p.R365Q) variant has been reported in heterozygosity in at least one individual with pancreatic ductal adenocarcinoma (PMID: 32659497). It was observed in 4/24018 chromosomes of the African/African American subpopulation in the large and broad cohorts of the Genome Aggregation Database (PMID: 32461654). The variant has been reported in ClinVar (Variation ID 459300). Functional studies have not been performed, and in silico predictions of the variant's effect on protein function are inconclusive. The evidence is insufficient to meet ACMG/AMP criteria for classifying the variant as benign or pathogenic. Thus, the clinical significance of this variant is currently uncertain.

Literature cited by the submitters: PubMed 32659497 (cited by Sema4).

NM_004260.4(RECQL4):c.1094G>A (p.Arg365Gln)

Gene: RECQL4 (RecQ like helicase 4; minus strand). Cytogenetic location: 8q24.3.
Variant type: single nucleotide variant.
Coding change: c.1094G>A on transcript NM_004260.4 (MANE Select); coding-DNA position 1094, G replaced by A.
Protein change: p.Arg365Gln; replaces arginine 365 with glutamine.
Molecular consequence: missense variant.
Genome position (GRCh38, 1-based): chr8:144,516,025, C>T on the plus strand (G>A on the coding strand, the complement: RECQL4 is on the minus strand). VCF-style: chr8-144516025-C-T. GRCh37 (hg19) VCF-style: chr8-145741409-C-T.
Other names: short protein forms R365Q.
Identifiers: ClinVar variation 459300 (VCV000459300.14), dbSNP rs549497811, ClinGen allele CA4949075.
Genomic context (GRCh38, chr8:144,516,025, plus strand): 5'-GTCCTGGCCCGTCGCTGTCTTACCTGCTTGCGGAGGAGCCTGCTACGGAGTGCCCGGCCC[C>T]GCACGTAGTGTTTCTGCTTCATGTTGAGCCGTACGTAATTGCCCCTGTCATGGCGGGCCA-3'
Protein context (NP_004251.4, residues 355-375): RLNMKQKHYV[Arg365Gln]GRALRSRLLR